The following is an entry in ClinVar:

ClinVar aggregate classification (germline): Uncertain significance (1 of 4 stars; one submission).

Conditions:
FG syndrome (FGS). Identifiers: MedGen C0220769, MONDO:0002010.

Submission:

Labcorp Genetics (formerly Invitae), Labcorp
Classification: Uncertain significance for FG syndrome. Last evaluated: 2022-06-11. Review status: criteria provided, single submitter. Criteria: Invitae Variant Classification Sherloc (09022015). Collection method: clinical testing. Allele origin: germline.
Comment: This sequence change replaces tyrosine, which is neutral and polar, with cysteine, which is neutral and slightly polar, at codon 1812 of the MED12 protein (p.Tyr1812Cys). In summary, the available evidence is currently insufficient to determine the role of this variant in disease. Therefore, it has been classified as a Variant of Uncertain Significance. Algorithms developed to predict the effect of missense changes on protein structure and function are either unavailable or do not agree on the potential impact of this missense change (SIFT: "Deleterious"; PolyPhen-2: "Benign"; Align-GVGD: "Class C0"). This variant has not been reported in the literature in individuals affected with MED12-related conditions. This variant is not present in population databases (gnomAD no frequency).

NM_005120.3(MED12):c.5435A>G (p.Tyr1812Cys)

Gene: MED12 (mediator complex subunit 12; plus strand). Cytogenetic location: Xq13.1.
Variant type: single nucleotide variant.
Coding change: c.5435A>G on transcript NM_005120.3 (MANE Select); coding-DNA position 5435, A replaced by G.
Protein change: p.Tyr1812Cys; replaces tyrosine 1812 with cysteine.
Molecular consequence: missense variant.
Genome position (GRCh38, 1-based): chrX:71,136,913, A>G. VCF-style: chrX-71136913-A-G. GRCh37 (hg19) VCF-style: chrX-70356763-A-G.
Other names: short protein forms Y1812C.
Identifiers: ClinVar variation 2087407 (VCV002087407.4), dbSNP rs2519713079, ClinGen allele CA413535549.